The following is an entry in ClinVar:

NM_005476.7(GNE):c.1798G>A (p.Ala600Thr)

Gene: GNE (glucosamine (UDP-N-acetyl)-2-epimerase/N-acetylmannosamine kinase; minus strand). Cytogenetic location: 9p13.3.
Variant type: single nucleotide variant.
Coding change: c.1798G>A on transcript NM_005476.7 (MANE Select); coding-DNA position 1798, G replaced by A.
Protein change: p.Ala600Thr; replaces alanine 600 with threonine.
Molecular consequence: missense variant.
Genome position (GRCh38, 1-based): chr9:36,219,856, C>T on the plus strand (G>A on the coding strand, the complement: GNE is on the minus strand). VCF-style: chr9-36219856-C-T. GRCh37 (hg19) VCF-style: chr9-36219853-C-T.
Other names: c.1891G>A, p.Ala631Thr (NM_001128227.3); c.1576G>A, p.Ala526Thr (NM_001190383.3); c.1468G>A, p.Ala490Thr (NM_001190384.3); c.1621G>A, p.Ala541Thr (NM_001190388.2, NM_001374798.1); c.1645G>A, p.Ala549Thr (NM_001374797.1); short protein forms A631T, A600T, A526T, A490T, A541T, A549T.
Identifiers: ClinVar variation 286014 (VCV000286014.23), dbSNP rs387906347, ClinGen allele CA10605332.

ClinVar aggregate classification (germline): Conflicting classifications of pathogenicity. Review status: criteria provided, conflicting classifications (1 of 4 stars). 8 submissions from 8 submitters: Pathogenic (2); Likely pathogenic (3); Uncertain significance (2). 1 of the submissions does not count toward it. Last evaluated 2025-09-22.

Conditions:
Sialuria. Also called: Sialic Acid Storage Disease; SIALURIA, FRENCH TYPE. Identifiers: Orphanet 3166, MedGen C0342853, MONDO:0010028, OMIM 269921.
GNE myopathy (NM). Also called: NONAKA DISTAL MYOPATHY; IBM 2; Inclusion body myopathy autosomal recessive; Inclusion body myopathy quadriceps sparing; INCLUSION BODY MYOPATHY, HEREDITARY, AUTOSOMAL RECESSIVE; INCLUSION BODY MYOPATHY 2, AUTOSOMAL RECESSIVE. Identifiers: Orphanet 602, MedGen C1853926, MONDO:0011603, OMIM 605820.

Allele frequency attached by ClinVar (database versions not stated): gnomAD exomes below 0.00001; TOPMed 0.00001.
gnomAD v4.1: 3 of 1,614,008 alleles (0.00019%); highest among the groups gnomAD compares: Non-Finnish European, 0.00025%; no homozygotes.

Submissions (8):

Natera, Inc.
Classification: Likely pathogenic for Nonaka myopathy. Last evaluated: 2025-09-22. Review status: criteria provided, single submitter. Criteria: Natera Variant Classification Schema (03/2026). Collection method: clinical testing. Allele origin: germline.
Comment: The c.1891G>A variant in GNE is a missense variant predicted to cause substitution of alanine to threonine at amino acid 631. This variant is rare in the general population with a frequency below the threshold expected for the associated phenotype(s). This variant has been observed in one or more individuals affected with the associated recessive disease, as either homozygous or compound heterozygous with a second variant (PMID: 15146476, 36360228). Additionally, this variant has been observed to segregate in affected family members (PMID: 15146476). Computational prediction algorithms indicate this variant is likely to affect gene or protein function. Given the available evidence, this variant is classified as Likely Pathogenic.

Baylor Genetics
Classification: Pathogenic for GNE myopathy. Last evaluated: 2024-03-19. Review status: criteria provided, single submitter. Criteria: ACMG Guidelines, 2015. Collection method: clinical testing. Allele origin: unknown.

Women's Health and Genetics/Laboratory Corporation of America, LabCorp
Classification: Likely pathogenic for GNE myopathy. Last evaluated: 2024-01-22. Review status: criteria provided, single submitter. Criteria: LabCorp Variant Classification Summary - May 2015. Collection method: clinical testing. Allele origin: germline.
Comment: Variant summary: GNE c.1891G>A (p.Ala631Thr) results in a non-conservative amino acid change in the encoded protein sequence. Four of five in-silico tools predict a damaging effect of the variant on protein function. The variant was absent in 251472 control chromosomes (gnomAD). c.1891G>A has been reported in the literature in individuals affected with hereditary inclusion-body myopathy (examples: Broccolini_2004, Huizing_2003, and Eisenberg_2001). These data indicate that the variant may be associated with disease. At least one publication reports experimental evidence evaluating an impact on protein function. The most pronounced variant effect results in >50%-90% of normal activity (Penner_2006). A different variant (c.1892C>T/p.Ala631Val) affecting this residue has been classified pathogenic in ClinVar (CV ID 6035). The following publications have been ascertained in the context of this evaluation (PMID: 15146476, 11528398, 19596068, 16503651). ClinVar contains an entry for this variant (Variation ID: 286014). Based on the evidence outlined above, the variant was classified as likely pathogenic.

Revvity Omics, Revvity
Classification: Uncertain significance. Last evaluated: 2023-11-16. Review status: criteria provided, single submitter. Criteria: ACMG Guidelines, 2015. Collection method: clinical testing. Allele origin: germline.

Labcorp Genetics (formerly Invitae), Labcorp
Classification: Pathogenic for Sialuria; GNE myopathy. Last evaluated: 2023-04-26. Review status: criteria provided, single submitter. Criteria: Invitae Variant Classification Sherloc (09022015). Collection method: clinical testing. Allele origin: germline.
Comment: This sequence change replaces alanine, which is neutral and non-polar, with threonine, which is neutral and polar, at codon 631 of the GNE protein (p.Ala631Thr). This variant is not present in population databases (gnomAD no frequency). This missense change has been observed in individuals with hereditary inclusion body myopathy and distal myopathy (PMID: 11528398, 15146476, 18555875). This variant is also known as p.A600T. ClinVar contains an entry for this variant (Variation ID: 286014). Advanced modeling of protein sequence and biophysical properties (such as structural, functional, and spatial information, amino acid conservation, physicochemical variation, residue mobility, and thermodynamic stability) has been performed at Invitae for this missense variant, however the output from this modeling did not meet the statistical confidence thresholds required to predict the impact of this variant on GNE protein function. Experimental studies have shown that this missense change affects GNE function (PMID: 16503651). This variant disrupts the p.Ala631 amino acid residue in GNE. Other variant(s) that disrupt this residue have been determined to be pathogenic (PMID: 12497639, 22507750, 24027297). This suggests that this residue is clinically significant, and that variants that disrupt this residue are likely to be disease-causing. For these reasons, this variant has been classified as Pathogenic.

GeneDx
Classification: Likely pathogenic. Last evaluated: 2023-02-03. Review status: criteria provided, single submitter. Criteria: GeneDx Variant Classification Process June 2021. Collection method: clinical testing. Allele origin: germline. Affected: yes.
Comment: Not observed at significant frequency in large population cohorts (gnomAD); Missense variants in this gene are often considered pathogenic (HGMD); In silico analysis supports that this missense variant does not alter protein structure/function; Also known as A600T using alternate nomenclature; This variant is associated with the following publications: (PMID: 19917666, 24796702, 19596068, 15146476)

Eurofins Ntd Llc (ga)
Classification: Uncertain significance. Last evaluated: 2016-03-16. Review status: criteria provided, single submitter. Criteria: EGL Classification Definitions 2015. Collection method: clinical testing. Allele origin: germline. Observed: 1 variant allele, 1 heterozygote.

Counsyl
Classification: Likely pathogenic for GNE myopathy. Last evaluated: 2018-02-23. Review status: no assertion criteria provided. Collection method: clinical testing. Allele origin: unknown. Not counted in ClinVar's aggregate classification.

Literature cited by the submitters: PubMed 15146476 (cited by 4 submitters); PubMed 36360228 (cited by Natera, Inc.); PubMed 11528398 (cited by 3 submitters); PubMed 16503651 (cited by 3 submitters); PubMed 19596068 (cited by Women's Health and Genetics/Laboratory Corporation of America, LabCorp); PubMed 18555875 (cited by Labcorp Genetics (formerly Invitae), Labcorp and Counsyl); PubMed 12497639 (cited by Labcorp Genetics (formerly Invitae), Labcorp); PubMed 22507750 (cited by Labcorp Genetics (formerly Invitae), Labcorp); PubMed 24027297 (cited by Labcorp Genetics (formerly Invitae), Labcorp).